The following is an entry in ClinVar:

NM_003477.3(PDHX):c.1096G>A (p.Ala366Thr)

Gene: PDHX (pyruvate dehydrogenase complex component X; plus strand). Cytogenetic location: 11p13.
Variant type: single nucleotide variant.
Coding change: c.1096G>A on transcript NM_003477.3 (MANE Select); coding-DNA position 1096, G replaced by A.
Protein change: p.Ala366Thr; replaces alanine 366 with threonine.
Molecular consequence: missense variant.
Genome position (GRCh38, 1-based): chr11:34,984,642, G>A. VCF-style: chr11-34984642-G-A. GRCh37 (hg19) VCF-style: chr11-35006189-G-A.
Other names: c.916G>A, p.Ala306Thr (NM_001135024.2); c.415G>A, p.Ala139Thr (NM_001166158.2); short protein forms A139T, A366T, A306T.
Identifiers: ClinVar variation 1058443 (VCV001058443.12), dbSNP rs756932261, ClinGen allele CA5946099.

ClinVar aggregate classification (germline): Uncertain significance. Review status: criteria provided, multiple submitters, no conflicts (2 of 4 stars). 3 submissions from 3 submitters: Uncertain significance (3). Last evaluated 2025-09-10.

Conditions:
Inborn genetic diseases. Identifiers: MedGen C0950123, MeSH D030342.

Allele frequency attached by ClinVar (database versions not stated): gnomAD exomes 0.00001 and 0.00002; TOPMed 0.00001; ExAC 0.00002.
gnomAD v4.1: 14 of 1,613,826 alleles (0.00087%); highest among the groups gnomAD compares: Admixed American, 0.0033%; no homozygotes.

Submissions (3):

Ambry Genetics
Classification: Uncertain significance for Inborn genetic diseases. Last evaluated: 2025-09-10. Review status: criteria provided, single submitter. Criteria: Ambry Variant Classification Scheme 2023. Collection method: clinical testing. Allele origin: germline.

GeneDx
Classification: Uncertain significance. Last evaluated: 2022-02-28. Review status: criteria provided, single submitter. Criteria: GeneDx Variant Classification Process June 2021. Collection method: clinical testing. Allele origin: germline. Affected: yes.
Comment: Not observed at significant frequency in large population cohorts (gnomAD); In silico analysis supports that this missense variant has a deleterious effect on protein structure/function; Has not been previously published as pathogenic or benign to our knowledge

Labcorp Genetics (formerly Invitae), Labcorp
Classification: Uncertain significance. Last evaluated: 2018-05-09. Review status: criteria provided, single submitter. Criteria: Invitae Variant Classification Sherloc (09022015). Collection method: clinical testing. Allele origin: germline.
Comment: This variant has not been reported in the literature in individuals with PDHX-related disease. In summary, the available evidence is currently insufficient to determine the role of this variant in disease. Therefore, it has been classified as a Variant of Uncertain Significance. Algorithms developed to predict the effect of missense changes on protein structure and function (SIFT, PolyPhen-2, Align-GVGD) all suggest that this variant is likely to be disruptive, but these predictions have not been confirmed by published functional studies and their clinical significance is uncertain. This variant is present in population databases (rs756932261, ExAC 0.003%). This sequence change replaces alanine with threonine at codon 366 of the PDHX protein (p.Ala366Thr). The alanine residue is highly conserved and there is a small physicochemical difference between alanine and threonine.